The following is an entry in ClinVar:

ClinVar aggregate classification (germline): Uncertain significance (1 of 4 stars; one submission).

Allele frequency attached by ClinVar (database versions not stated): gnomAD exomes below 0.00001 and 0.00001; TOPMed below 0.00001.
gnomAD v4.1: 8 of 1,614,056 alleles (0.0005%); highest among the groups gnomAD compares: Non-Finnish European, 0.00068%; no homozygotes.

Submission:

Labcorp Genetics (formerly Invitae), Labcorp
Classification: Uncertain significance. Last evaluated: 2023-05-24. Review status: criteria provided, single submitter. Criteria: Invitae Variant Classification Sherloc (09022015). Collection method: clinical testing. Allele origin: germline.
Comment: This sequence change creates a premature translational stop signal (p.Trp266*) in the A2ML1 gene. It is expected to result in an absent or disrupted protein product. However, the current clinical and genetic evidence is not sufficient to establish whether loss-of-function variants in A2ML1 cause disease. This variant is present in population databases (no rsID available, gnomAD 0.0009%). This variant has not been reported in the literature in individuals affected with A2ML1-related conditions. ClinVar contains an entry for this variant (Variation ID: 1379011). In summary, the available evidence is currently insufficient to determine the role of this variant in disease. Therefore, it has been classified as a Variant of Uncertain Significance.

NM_144670.6(A2ML1):c.798G>A (p.Trp266Ter)

Gene: A2ML1 (alpha-2-macroglobulin like 1; plus strand). Cytogenetic location: 12p13.31.
Variant type: single nucleotide variant.
Coding change: c.798G>A on transcript NM_144670.6 (MANE Select); coding-DNA position 798, G replaced by A.
Protein change: p.Trp266Ter; replaces tryptophan 266 with a stop codon.
Molecular consequence: nonsense.
Genome position (GRCh38, 1-based): chr12:8,837,509, G>A. VCF-style: chr12-8837509-G-A. GRCh37 (hg19) VCF-style: chr12-8990105-G-A.
Other names: short protein forms W266*.
Identifiers: ClinVar variation 1379011 (VCV001379011.6), dbSNP rs1352276762, ClinGen allele CA383822948.
Genomic context (GRCh38, chr12:8,837,509, plus strand): 5'-TGGAAAGCCCATGCTAGGGGCAGTGCAGGTATCTGTGTGTCAGAAGGCAAATACTTACTG[G>A]TATCGAGAGGTGGAACGGGAACAGCTTCCTGACAAATGCAGGAACCTCTCTGGACAGGTG-3'